The following is an entry in ClinVar:

ClinVar aggregate classification (germline): Uncertain significance. Review status: criteria provided, multiple submitters, no conflicts (2 of 4 stars). 2 submissions from 2 submitters: Uncertain significance (2). Last evaluated 2025-01-17.

Conditions:
Inborn genetic diseases. Identifiers: MedGen C0950123, MeSH D030342.

Allele frequency attached by ClinVar (database versions not stated): gnomAD 0.00002; gnomAD exomes 0.00002; TOPMed 0.00002; ExAC 0.00003.
gnomAD v4.1: 31 of 1,580,146 alleles (0.002%); highest among the groups gnomAD compares: South Asian, 0.0058%; no homozygotes.

Submissions (2):

Ambry Genetics
Classification: Uncertain significance for Inborn genetic diseases. Last evaluated: 2025-01-17. Review status: criteria provided, single submitter. Criteria: Ambry Variant Classification Scheme 2023. Collection method: clinical testing. Allele origin: germline.

Labcorp Genetics (formerly Invitae), Labcorp
Classification: Uncertain significance. Last evaluated: 2022-03-22. Review status: criteria provided, single submitter. Criteria: Invitae Variant Classification Sherloc (09022015). Collection method: clinical testing. Allele origin: germline.
Comment: This sequence change replaces methionine, which is neutral and non-polar, with threonine, which is neutral and polar, at codon 403 of the RARS protein (p.Met403Thr). This variant is present in population databases (rs761905120, gnomAD 0.008%). This variant has not been reported in the literature in individuals affected with RARS-related conditions. Algorithms developed to predict the effect of missense changes on protein structure and function output the following: SIFT: "Tolerated"; PolyPhen-2: "Benign"; Align-GVGD: "Class C0". The threonine amino acid residue is found in multiple mammalian species, which suggests that this missense change does not adversely affect protein function. In summary, the available evidence is currently insufficient to determine the role of this variant in disease. Therefore, it has been classified as a Variant of Uncertain Significance.

NM_002887.4(RARS1):c.1208T>C (p.Met403Thr)

Gene: RARS1 (arginyl-tRNA synthetase 1; plus strand). Cytogenetic location: 5q34.
Variant type: single nucleotide variant.
Coding change: c.1208T>C on transcript NM_002887.4 (MANE Select); coding-DNA position 1208, T replaced by C.
Protein change: p.Met403Thr; replaces methionine 403 with threonine.
Molecular consequence: missense variant.
Genome position (GRCh38, 1-based): chr5:168,506,171, T>C. VCF-style: chr5-168506171-T-C. GRCh37 (hg19) VCF-style: chr5-167933176-T-C.
Other names: c.1208T>C (NM_002887.3); short protein forms M403T.
Identifiers: ClinVar variation 2420920 (VCV002420920.4), dbSNP rs761905120, ClinGen allele CA3549840.